The following is an entry in ClinVar:

NM_006389.5(HYOU1):c.1206-37_1206-15dup

Genes: HYOU1 (hypoxia up-regulated 1; minus strand), LOC130006884 (ATAC-STARR-seq lymphoblastoid active region 5617; plus strand). Cytogenetic location: 11q23.3.
Variant type: Duplication.
Coding change: c.1206-37_1206-15dup on transcript NM_006389.5 (MANE Select); 37 bases into the intron before coding-DNA position 1206 through 15 bases into the intron before coding-DNA position 1206, 23 bases duplicated (CCAGGGTAGACCGTGCTGAGGCT).
Molecular consequence: intron variant.
Genome position (GRCh38, 1-based): chr11:119,051,966-119,051,988, AGCCTCAGCACGGTCTACCCTGG duplicated on the plus strand (CCAGGGTAGACCGTGCTGAGGCT on the coding strand, the reverse complement: HYOU1 is on the minus strand); duplicating any 23 consecutive bases within chr11:119,051,966-119,051,991 gives the same sequence; the c. name uses the placement nearest the transcript's 3' end. VCF-style (leftmost placement, unchanged base first): chr11-119051965-A-AAGCCTCAGCACGGTCTACCCTGG. GRCh37 (hg19) VCF-style: chr11-118922677-A-AAGCCTCAGCACGGTCTACCCTGG.
Other names: c.1206-37_1206-15dup (NM_001130991.3, NM_001411041.1).
Identifiers: ClinVar variation 2759260 (VCV002759260.3), dbSNP rs2497166600, ClinGen allele CA2697559016.

ClinVar aggregate classification (germline): Uncertain significance (1 of 4 stars; one submission).

Submission:

Labcorp Genetics (formerly Invitae), Labcorp
Classification: Uncertain significance. Last evaluated: 2023-10-13. Review status: criteria provided, single submitter. Criteria: Invitae Variant Classification Sherloc (09022015). Collection method: clinical testing. Allele origin: germline.
Comment: This sequence change falls in intron 11 of the HYOU1 gene. It does not directly change the encoded amino acid sequence of the HYOU1 protein. This variant is not present in population databases (gnomAD no frequency). This variant has not been reported in the literature in individuals affected with HYOU1-related conditions. Experimental studies and prediction algorithms are not available or were not evaluated, and the effect of this variant on mRNA splicing is currently unknown. In summary, the available evidence is currently insufficient to determine the role of this variant in disease. Therefore, it has been classified as a Variant of Uncertain Significance.